The following is an entry in ClinVar:

ClinVar aggregate classification (germline): Pathogenic/Likely pathogenic. Review status: criteria provided, multiple submitters, no conflicts (2 of 4 stars). 8 submissions from 8 submitters: Pathogenic (5); Likely pathogenic (1). 2 of the submissions do not count toward it. Last evaluated 2024-06-14.

Conditions:
TULP1-related disorder. Also called: TULP1-related disorders; TULP1-related condition.
Retinal dystrophy. Also called: Inherited retinal dystrophy. Identifiers: Orphanet 71862, MedGen C0854723, MeSH D058499, MONDO:0019118, HP:0000556.
Leber congenital amaurosis (LCA). Also called: Leber's amaurosis. Identifiers: Orphanet 65, MedGen C0339527, MeSH D057130, MONDO:0018998.
Leber congenital amaurosis 15 (LCA15). Identifiers: Orphanet 65, MedGen C3151206, MONDO:0013457, OMIM 613843.
Retinitis pigmentosa 14 (RP14). Also called: RETINITIS PIGMENTOSA, JUVENILE, TULP1-RELATED. Identifiers: Orphanet 791, MedGen C1838603, MONDO:0010827, OMIM 600132.

Allele frequency attached by ClinVar (database versions not stated): ExAC 0.00002; gnomAD exomes 0.00002.
gnomAD v4.1: 25 of 1,614,116 alleles (0.0015%); highest among the groups gnomAD compares: South Asian, 0.026%; no homozygotes.

Submissions (8):

Blueprint Genetics
Classification: Pathogenic for TULP1-related disorders. Last evaluated: 2024-06-14. Review status: criteria provided, single submitter. Criteria: ACMG Guidelines, 2015. Collection method: clinical testing. Allele origin: germline. Affected: yes. Observed: 5 variant alleles.

Ophthalmic Genetics Group, Institute of Molecular and Clinical Ophthalmology Basel
Classification: Pathogenic for Retinal dystrophy. Last evaluated: 2024-05-27. Review status: criteria provided, single submitter. Criteria: ACMG Guidelines, 2015. Collection method: research. Allele origin: germline. Affected: yes. Observed: 2 variant alleles.
Comment: This variant was classified as Pathogenic based on ACMG criteria: PM2_mod, PM3_strong and PP3_strong

Fulgent Genetics
Classification: Pathogenic for Retinitis pigmentosa 14; Leber congenital amaurosis 15. Last evaluated: 2024-05-20. Review status: criteria provided, single submitter. Criteria: ACMG Guidelines, 2015. Collection method: clinical testing. Allele origin: germline.

Women's Health and Genetics/Laboratory Corporation of America, LabCorp
Classification: Pathogenic for Leber congenital amaurosis. Last evaluated: 2024-05-17. Review status: criteria provided, single submitter. Criteria: LabCorp Variant Classification Summary - May 2015. Collection method: clinical testing. Allele origin: germline.
Comment: Variant summary: TULP1 c.1466A>G (p.Lys489Arg) results in a conservative amino acid change located in the Tubby, C-terminal domain (IPR000007) of the encoded protein sequence. Four of five in-silico tools predict a damaging effect of the variant on protein function. The variant allele was found at a frequency of 2e-05 in 251428 control chromosomes (gnomAD). c.1466A>G has been reported in the literature in multiple homozygous individuals affected with autosomal recessive retinitis pigmentosa and in several families it segregated with the disease (examples: Iqbal_2011, Gu_1998). These data indicate that the variant is very likely to be associated with disease. To our knowledge, no experimental evidence demonstrating an impact on protein function has been reported. The following publications have been ascertained in the context of this evaluation (PMID: 9660588, 21987678). ClinVar contains an entry for this variant (Variation ID: 99663). Based on the evidence outlined above, the variant was classified as pathogenic.

Labcorp Genetics (formerly Invitae), Labcorp
Classification: Pathogenic. Last evaluated: 2024-01-06. Review status: criteria provided, single submitter. Criteria: Invitae Variant Classification Sherloc (09022015). Collection method: clinical testing. Allele origin: germline.
Comment: This sequence change replaces lysine, which is basic and polar, with arginine, which is basic and polar, at codon 489 of the TULP1 protein (p.Lys489Arg). This variant is present in population databases (rs62636511, gnomAD 0.02%). This missense change has been observed in individual(s) with retinitis pigmentosa (PMID: 27440997). It has also been observed to segregate with disease in related individuals. ClinVar contains an entry for this variant (Variation ID: 99663). Advanced modeling of protein sequence and biophysical properties (such as structural, functional, and spatial information, amino acid conservation, physicochemical variation, residue mobility, and thermodynamic stability) performed at Invitae indicates that this missense variant is expected to disrupt TULP1 protein function with a positive predictive value of 80%. For these reasons, this variant has been classified as Pathogenic.

Institute of Human Genetics, Univ. Regensburg, Univ. Regensburg
Classification: Likely pathogenic for Retinal dystrophy. Last evaluated: 2022-01-01. Review status: criteria provided, single submitter. Criteria: ACMG Guidelines, 2015. Collection method: clinical testing. Allele origin: germline. Affected: yes.

Genomics England Pilot Project, Genomics England
Classification: Likely pathogenic for Retinitis pigmentosa 14. Review status: no assertion criteria provided. Criteria: ACGS Guidelines, 2016. Collection method: clinical testing. Allele origin: germline. Affected: yes. Not counted in ClinVar's aggregate classification.

Retina International
No classification provided. Review status: no classification provided. Collection method: not provided. Allele origin: not provided. Not counted in ClinVar's aggregate classification.

Literature cited by the submitters: PubMed 27440997 (cited by 3 submitters); PubMed 40180963 (cited by Ophthalmic Genetics Group, Institute of Molecular and Clinical Ophthalmology Basel); PubMed 9660588 (cited by Women's Health and Genetics/Laboratory Corporation of America, LabCorp and Institute of Human Genetics, Univ. Regensburg, Univ. Regensburg); PubMed 21987678 (cited by Women's Health and Genetics/Laboratory Corporation of America, LabCorp and Institute of Human Genetics, Univ. Regensburg, Univ. Regensburg); PubMed 28418496 (cited by Institute of Human Genetics, Univ. Regensburg, Univ. Regensburg); PubMed 31877759 (cited by Institute of Human Genetics, Univ. Regensburg, Univ. Regensburg); PubMed 31964843 (cited by Institute of Human Genetics, Univ. Regensburg, Univ. Regensburg); PubMed 34758253 (cited by Institute of Human Genetics, Univ. Regensburg, Univ. Regensburg).

NM_003322.6(TULP1):c.1466A>G (p.Lys489Arg)

Gene: TULP1 (TUB like protein 1; minus strand). Cytogenetic location: 6p21.31.
Variant type: single nucleotide variant.
Coding change: c.1466A>G on transcript NM_003322.6 (MANE Select); coding-DNA position 1466, A replaced by G.
Protein change: p.Lys489Arg; replaces lysine 489 with arginine.
Molecular consequence: missense variant.
Genome position (GRCh38, 1-based): chr6:35,500,010, T>C on the plus strand (A>G on the coding strand, the complement: TULP1 is on the minus strand). VCF-style: chr6-35500010-T-C. GRCh37 (hg19) VCF-style: chr6-35467787-T-C.
Other names: NP_003313.3:p.(Lys489Arg); c.1307A>G, p.Lys436Arg (NM_001289395.2); short protein forms K489R, K436R.
Identifiers: ClinVar variation 99663 (VCV000099663.13), dbSNP rs62636511, ClinGen allele CA227705.
Genomic context (GRCh38, chr6:35,500,010, plus strand): 5'-AAGAGCCAGACCTGGGCCCTCAGGTACTCACGGTCATCAGCGTGGACAATCTGGAAGTTC[T>C]TGACTGAGGCCTGGGTGACCCGGCCTTGGAAGTTGAGGGTGTAGGAGCCACTGTCATCGT-3'
Protein context (NP_003313.3, residues 479-499): FQGRVTQASV[Lys489Arg]NFQIVHADDP